The following is an entry in ClinVar:

NM_000287.4(PEX6):c.896del (p.Gly299fs)

Gene: PEX6 (peroxisomal biogenesis factor 6; minus strand). Cytogenetic location: 6p21.1.
Variant type: Deletion.
Coding change: c.896del on transcript NM_000287.4 (MANE Select); coding-DNA position 896, one base deleted (G; older notation c.896delG).
Protein change: p.Gly299fs; shifts the reading frame from glycine 299.
Molecular consequence: frameshift variant. On other transcripts: non-coding transcript variant (1).
Genome position (GRCh38, 1-based): chr6:42,975,025, C deleted on the plus strand (G on the coding strand, the reverse complement: PEX6 is on the minus strand); the first of 2 consecutive C bases (chr6:42,975,025-42,975,026); deleting either gives the same sequence. VCF-style (leftmost placement, unchanged base first): chr6-42975024-GC-G. GRCh37 (hg19) VCF-style: chr6-42942762-GC-G.
Other names: c.632del, p.Gly211fs (NM_001316313.2); short protein forms G211fs, G299fs.
Identifiers: ClinVar variation 2027737 (VCV002027737.4), dbSNP rs2481258885, ClinGen allele CA2580074619.
Genomic context (GRCh38, chr6:42,975,024, plus strand): 5'-TCTGGCAAATGGAGGCCCAGGCAGCAATGAGCAGCTTCCTTTGTCTTCAGGGGCGATGGA[GC>G]CTTCCAAGTACCTCTATTAGAGAAATAACCACCACGTTATAACCTTCTCCTAAGGGGGCA-3'

ClinVar aggregate classification (germline): Pathogenic (1 of 4 stars; one submission).

Conditions:
Peroxisome biogenesis disorder. Identifiers: Orphanet 79189, MedGen C1832200, MONDO:0019234. Disease mechanism: loss of function.

Submission:

Labcorp Genetics (formerly Invitae), Labcorp
Classification: Pathogenic for Peroxisome biogenesis disorder. Last evaluated: 2022-08-29. Review status: criteria provided, single submitter. Criteria: Invitae Variant Classification Sherloc (09022015). Collection method: clinical testing. Allele origin: germline.
Comment: For these reasons, this variant has been classified as Pathogenic. This variant has not been reported in the literature in individuals affected with PEX6-related conditions. This variant is not present in population databases (gnomAD no frequency). This sequence change creates a premature translational stop signal (p.Gly299Alafs*52) in the PEX6 gene. It is expected to result in an absent or disrupted protein product. Loss-of-function variants in PEX6 are known to be pathogenic (PMID: 8670792, 19877282, 21031596).

Literature cited by the submitters: PubMed 8670792; PubMed 19877282; PubMed 21031596.